The following is an entry in ClinVar:

ClinVar aggregate classification (germline): Uncertain significance. Review status: criteria provided, multiple submitters, no conflicts (2 of 4 stars). 7 submissions from 7 submitters: Uncertain significance (7). Last evaluated 2026-06-30.

Conditions:
Endometrial carcinoma. Also called: Endometrial carcinoma, somatic. Identifiers: MedGen C0476089, MONDO:0002447, OMIM 608089, HP:0012114.
Familial adenomatous polyposis 4 (FAP4). Also called: MSH3-related attenuated familial adenomatous polyposis. Identifiers: Orphanet 480536, MedGen C4310719, MONDO:0044300, OMIM 617100.
MSH3-related disorder. Also called: MSH3-related condition.
Hereditary cancer-predisposing syndrome. Also called: Neoplastic Syndromes, Hereditary; Tumor predisposition; Hereditary neoplastic syndrome; Hereditary Cancer Syndrome. Identifiers: Orphanet 140162, MedGen C0027672, MeSH D009386, MONDO:0015356.

Allele frequency attached by ClinVar (database versions not stated): gnomAD exomes 0.00001 and 0.00002; ExAC 0.00003; gnomAD 0.00017; TOPMed 0.00020; 1000 Genomes Project 30x 0.00031; 1000 Genomes Project 0.00040.
gnomAD v4.1: 41 of 1,613,652 alleles (0.0025%); highest among the groups gnomAD compares: African/African-American, 0.037%; no homozygotes.

Submissions (7):

PreventionGenetics, part of Exact Sciences
Classification: Uncertain significance for MSH3-related condition. Last evaluated: 2026-06-30. Review status: criteria provided, single submitter. Criteria: ACMG Guidelines, 2015. Collection method: clinical testing. Allele origin: germline.
Comment: The MSH3 c.2600T>C variant is predicted to result in the amino acid substitution p.Ile867Thr. To our knowledge, this variant has not been reported in the literature. This variant is reported in 0.024% of alleles in individuals of African descent in gnomAD and is interpreted as uncertain significance in ClinVar (Variation ID: 639989). At this time, the clinical significance of this variant is uncertain due to the absence of conclusive functional and genetic evidence.

Labcorp Genetics (formerly Invitae), Labcorp
Classification: Uncertain significance. Last evaluated: 2026-01-28. Review status: criteria provided, single submitter. Criteria: Invitae Variant Classification Sherloc (09022015). Collection method: clinical testing. Allele origin: germline.
Comment: This sequence change replaces isoleucine, which is neutral and non-polar, with threonine, which is neutral and polar, at codon 867 of the MSH3 protein (p.Ile867Thr). This variant is present in population databases (rs187411724, gnomAD 0.02%). This variant has not been reported in the literature in individuals affected with MSH3-related conditions. ClinVar contains an entry for this variant (Variation ID: 639989). An algorithm developed to predict the effect of missense changes on protein structure and function (PolyPhen-2) suggests that this variant is likely to be disruptive. In summary, the available evidence is currently insufficient to determine the role of this variant in disease. Therefore, it has been classified as a Variant of Uncertain Significance.

GeneDx
Classification: Uncertain significance. Last evaluated: 2025-05-05. Review status: criteria provided, single submitter. Criteria: GeneDx Variant Classification Process June 2021. Collection method: clinical testing. Allele origin: germline.
Comment: In silico analysis supports that this missense variant has a deleterious effect on protein structure/function; Has not been previously published as pathogenic or benign to our knowledge

Ambry Genetics
Classification: Uncertain significance for Hereditary cancer-predisposing syndrome. Last evaluated: 2025-04-30. Review status: criteria provided, single submitter. Criteria: Ambry Variant Classification Scheme 2023. Collection method: clinical testing. Allele origin: germline.
Comment: The p.I867T variant (also known as c.2600T>C), located in coding exon 19 of the MSH3 gene, results from a T to C substitution at nucleotide position 2600. The isoleucine at codon 867 is replaced by threonine, an amino acid with similar properties. This amino acid position is highly conserved in available vertebrate species. In addition, this alteration is predicted to be deleterious by in silico analysis. Based on the available evidence, the clinical significance of this variant remains unclear.

Fulgent Genetics
Classification: Uncertain significance for Endometrial carcinoma; Familial adenomatous polyposis 4. Last evaluated: 2024-06-06. Review status: criteria provided, single submitter. Criteria: ACMG Guidelines, 2015. Collection method: clinical testing. Allele origin: germline.

Baylor Genetics
Classification: Uncertain significance for Endometrial carcinoma. Last evaluated: 2024-03-24. Review status: criteria provided, single submitter. Criteria: ACMG Guidelines, 2015. Collection method: clinical testing. Allele origin: unknown.

Sema4
Classification: Uncertain significance for Hereditary cancer-predisposing syndrome. Last evaluated: 2021-11-29. Review status: criteria provided, single submitter. Criteria: Sema4 Curation Guidelines. Collection method: curation. Allele origin: germline.
Comment: The MSH3 c.2600T>C (p.I867T) variant has not been reported in the literature to our knowledge. It was observed in 6/24956 chromosomes of the African/African American (AFR) subpopulation in the large and broad cohorts of the Genome Aggregation Database (PMID: 32461654). This variant has been reported in ClinVar (Variation ID 639989). In silico tools suggest the impact of the variant on protein function is deleterious, though these predictions have not been confirmed by functional studies. The evidence is insufficient to meet ACMG/AMP criteria for classifying the variant as benign or pathogenic. Thus, the clinical significance of this variant is currently uncertain.

NM_002439.5(MSH3):c.2600T>C (p.Ile867Thr)

Gene: MSH3 (mutS homolog 3; plus strand). Cytogenetic location: 5q14.1.
Variant type: single nucleotide variant.
Coding change: c.2600T>C on transcript NM_002439.5 (MANE Select); coding-DNA position 2600, T replaced by C.
Protein change: p.Ile867Thr; replaces isoleucine 867 with threonine.
Molecular consequence: missense variant.
Genome position (GRCh38, 1-based): chr5:80,792,789, T>C. VCF-style: chr5-80792789-T-C. GRCh37 (hg19) VCF-style: chr5-80088608-T-C.
Other names: short protein forms I867T.
Identifiers: ClinVar variation 639989 (VCV000639989.20), dbSNP rs187411724, ClinGen allele CA3328300.